The following is an entry in ClinVar:

ClinVar aggregate classification (germline): Likely benign. Review status: criteria provided, multiple submitters, no conflicts (2 of 4 stars). 6 submissions from 6 submitters: Likely benign (6). Last evaluated 2025-12-09.

Conditions:
Familial adenomatous polyposis 3. Also called: NTHL1-Related Adenomatous Polyposis and Colorectal Cancer; NTHL1-related attenuated familial adenomatous polyposis; NTHL1 Tumor Syndrome; NTHL1-associated polyposis. Identifiers: Orphanet 220460, Orphanet 454840, MedGen C4225157, MONDO:0014630, OMIM 616415.
Hereditary cancer-predisposing syndrome. Also called: Neoplastic Syndromes, Hereditary; Hereditary Cancer Syndrome; Tumor predisposition; Hereditary neoplastic syndrome. Identifiers: Orphanet 140162, MedGen C0027672, MeSH D009386, MONDO:0015356.

Allele frequency attached by ClinVar (database versions not stated): ExAC 0.00001; gnomAD exomes 0.00001; gnomAD 0.00006; TOPMed 0.00006; ESP Exome Variant Server 0.00015.
gnomAD v4.1: 25 of 1,611,456 alleles (0.0016%); highest among the groups gnomAD compares: African/African-American, 0.016%; no homozygotes.

Submissions (6):

Labcorp Genetics (formerly Invitae), Labcorp
Classification: Likely benign. Last evaluated: 2025-12-09. Review status: criteria provided, single submitter. Criteria: Invitae Variant Classification Sherloc (09022015). Collection method: clinical testing. Allele origin: germline.

CeGaT Center for Human Genetics Tuebingen
Classification: Likely benign. Last evaluated: 2025-12-01. Review status: criteria provided, single submitter. Criteria: CeGaT Center For Human Genetics Tuebingen Variant Classification Criteria Version 2. Collection method: clinical testing. Allele origin: germline. Affected: yes. Observed: 2 variant alleles.
Comment: NTHL1: BP4, BP7

Quest Diagnostics Nichols Institute San Juan Capistrano
Classification: Likely benign. Last evaluated: 2025-07-22. Review status: criteria provided, single submitter. Criteria: Quest Diagnostics criteria. Collection method: clinical testing. Allele origin: unknown.

ARUP Laboratories, Molecular Genetics and Genomics, ARUP Laboratories
Classification: Likely benign for Familial adenomatous polyposis 3. Last evaluated: 2024-09-13. Review status: criteria provided, single submitter. Criteria: ARUP Molecular Germline Variant Investigation Process 2024. Collection method: clinical testing. Allele origin: germline.

Ambry Genetics
Classification: Likely benign for Hereditary cancer-predisposing syndrome. Last evaluated: 2019-11-08. Review status: criteria provided, single submitter. Criteria: Ambry Variant Classification Scheme 2023. Collection method: clinical testing. Allele origin: germline.

GeneDx
Classification: Likely benign. Last evaluated: 2018-05-10. Review status: criteria provided, single submitter. Criteria: GeneDx Variant Classification (06012015). Collection method: clinical testing. Allele origin: germline. Affected: yes.
Comment: This variant is considered likely benign or benign based on one or more of the following criteria: it is a conservative change, it occurs at a poorly conserved position in the protein, it is predicted to be benign by multiple in silico algorithms, and/or has population frequency not consistent with disease.

NM_002528.7(NTHL1):c.831C>T (p.Phe277=)

Gene: NTHL1 (nth like DNA glycosylase 1; minus strand). Cytogenetic location: 16p13.3.
Variant type: single nucleotide variant.
Coding change: c.831C>T on transcript NM_002528.7 (MANE Select); coding-DNA position 831, C replaced by T.
Protein change: p.Phe277=; no amino-acid change (phenylalanine 277 retained).
Molecular consequence: synonymous variant.
Genome position (GRCh38, 1-based): chr16:2,040,008, G>A on the plus strand (C>T on the coding strand, the complement: NTHL1 is on the minus strand). VCF-style: chr16-2040008-G-A. GRCh37 (hg19) VCF-style: chr16-2090009-G-A.
Other names: c.660C>T, p.Phe220= (NM_001318193.2); c.501C>T, p.Phe167= (NM_001318194.2).
Identifiers: ClinVar variation 668398 (VCV000668398.32), dbSNP rs376251044, ClinGen allele CA7828086.